The following is an entry in ClinVar:

ClinVar aggregate classification (germline): Uncertain significance. Review status: criteria provided, multiple submitters, no conflicts (2 of 4 stars). 2 submissions from 2 submitters: Uncertain significance (2). Last evaluated 2024-07-15.

Allele frequency attached by ClinVar (database versions not stated): gnomAD exomes below 0.00001; ExAC 0.00001; gnomAD 0.00001; TOPMed 0.00001.
gnomAD v4.1: 39 of 1,604,486 alleles (0.0024%); highest among the groups gnomAD compares: Non-Finnish European, 0.0032%; no homozygotes.

Submissions (2):

Labcorp Genetics (formerly Invitae), Labcorp
Classification: Uncertain significance. Last evaluated: 2024-07-15. Review status: criteria provided, single submitter. Criteria: Invitae Variant Classification Sherloc (09022015). Collection method: clinical testing. Allele origin: germline.
Comment: This sequence change replaces arginine, which is basic and polar, with isoleucine, which is neutral and non-polar, at codon 414 of the LCA5 protein (p.Arg414Ile). This variant is present in population databases (rs776288750, gnomAD 0.002%). This variant has not been reported in the literature in individuals affected with LCA5-related conditions. ClinVar contains an entry for this variant (Variation ID: 1513488). Advanced modeling of protein sequence and biophysical properties (such as structural, functional, and spatial information, amino acid conservation, physicochemical variation, residue mobility, and thermodynamic stability) performed at Invitae indicates that this missense variant is expected to disrupt LCA5 protein function with a positive predictive value of 80%. In summary, the available evidence is currently insufficient to determine the role of this variant in disease. Therefore, it has been classified as a Variant of Uncertain Significance.

Blueprint Genetics
Classification: Uncertain significance. Last evaluated: 2021-03-16. Review status: criteria provided, single submitter. Criteria: ACMG Guidelines, 2015. Collection method: clinical testing. Allele origin: germline.

NM_001122769.3(LCA5):c.1241G>T (p.Arg414Ile)

Gene: LCA5 (lebercilin LCA5; minus strand). Cytogenetic location: 6q14.1.
Variant type: single nucleotide variant.
Coding change: c.1241G>T on transcript NM_001122769.3 (MANE Select); coding-DNA position 1241, G replaced by T.
Protein change: p.Arg414Ile; replaces arginine 414 with isoleucine.
Molecular consequence: missense variant.
Genome position (GRCh38, 1-based): chr6:79,487,857, C>A on the plus strand (G>T on the coding strand, the complement: LCA5 is on the minus strand). VCF-style: chr6-79487857-C-A. GRCh37 (hg19) VCF-style: chr6-80197574-C-A.
Other names: c.1241G>T, p.Arg414Ile (NM_181714.4); short protein forms R414I.
Identifiers: ClinVar variation 1513488 (VCV001513488.5), dbSNP rs776288750, ClinGen allele CA3900861.